The following is an entry in ClinVar:

NM_000391.4(TPP1):c.947C>A (p.Ala316Asp)

Gene: TPP1 (tripeptidyl peptidase 1; minus strand). Cytogenetic location: 11p15.4.
Variant type: single nucleotide variant.
Coding change: c.947C>A on transcript NM_000391.4 (MANE Select); coding-DNA position 947, C replaced by A.
Protein change: p.Ala316Asp; replaces alanine 316 with aspartic acid.
Molecular consequence: missense variant.
Genome position (GRCh38, 1-based): chr11:6,616,443, G>T on the plus strand (C>A on the coding strand, the complement: TPP1 is on the minus strand). VCF-style: chr11-6616443-G-T. GRCh37 (hg19) VCF-style: chr11-6637674-G-T.
Other names: short protein forms A316D.
Identifiers: ClinVar variation 426392 (VCV000426392.22), dbSNP rs149463616, ClinGen allele CA5858801.
Genomic context (GRCh38, chr11:6,616,443, plus strand): 5'-TAGGCGCTGCTGAGGGAGTCCTCATCATCTCCATAGCTCACAGTATGCACATGTGGCAGG[G>T]CTGACTCATTACTGAGCAGCATGAGCCACTGCAGGAAGGGCTCCTGTCCCTCATGCCGGC-3'
Protein context (NP_000382.3, residues 306-326): QWLMLLSNES[Ala316Asp]LPHVHTVSYG

ClinVar aggregate classification (germline): Uncertain significance. Review status: criteria provided, multiple submitters, no conflicts (2 of 4 stars). 7 submissions from 7 submitters: Uncertain significance (6). 1 of the submissions does not count toward it. Last evaluated 2025-04-16.

Conditions:
Neuronal ceroid lipofuscinosis 2. Also called: TPP1-Related Neuronal Ceroid-Lipofuscinosis; JANSKY-BIELSCHOWSKY DISEASE NEURONAL CEROID LIPOFUSCINOSIS, LATE INFANTILE. Identifiers: Orphanet 168491, Orphanet 228349, Orphanet 79264, MedGen C1876161, MONDO:0008769, OMIM 204500.
Inborn genetic diseases. Identifiers: MedGen C0950123, MeSH D030342.

Allele frequency attached by ClinVar (database versions not stated): ExAC 0.00005; gnomAD exomes 0.00006; TOPMed 0.00006; gnomAD 0.00007.
gnomAD v4.1: 105 of 1,613,214 alleles (0.0065%); highest among the groups gnomAD compares: Middle Eastern, 0.099%; no homozygotes.

Submissions (7):

GeneDx
Classification: Uncertain significance. Last evaluated: 2025-04-16. Review status: criteria provided, single submitter. Criteria: GeneDx Variant Classification Process June 2021. Collection method: clinical testing. Allele origin: germline. Affected: yes.
Comment: Not observed at significant frequency in large population cohorts (gnomAD); In silico analysis supports that this missense variant does not alter protein structure/function; Has not been previously published as pathogenic or benign to our knowledge

Blueprint Genetics
Classification: Uncertain significance. Last evaluated: 2024-11-06. Review status: criteria provided, single submitter. Criteria: ACMG Guidelines, 2015. Collection method: clinical testing. Allele origin: germline.

Ambry Genetics
Classification: Uncertain significance for Inborn genetic diseases. Last evaluated: 2024-09-08. Review status: criteria provided, single submitter. Criteria: Ambry Variant Classification Scheme 2023. Collection method: clinical testing. Allele origin: germline.

Labcorp Genetics (formerly Invitae), Labcorp
Classification: Uncertain significance. Last evaluated: 2022-11-01. Review status: criteria provided, single submitter. Criteria: Invitae Variant Classification Sherloc (09022015). Collection method: clinical testing. Allele origin: germline.
Comment: This sequence change replaces alanine, which is neutral and non-polar, with aspartic acid, which is acidic and polar, at codon 316 of the TPP1 protein (p.Ala316Asp). This variant is present in population databases (rs149463616, gnomAD 0.01%). This variant has not been reported in the literature in individuals affected with TPP1-related conditions. ClinVar contains an entry for this variant (Variation ID: 426392). Advanced modeling of protein sequence and biophysical properties (such as structural, functional, and spatial information, amino acid conservation, physicochemical variation, residue mobility, and thermodynamic stability) performed at Invitae indicates that this missense variant is not expected to disrupt TPP1 protein function. In summary, the available evidence is currently insufficient to determine the role of this variant in disease. Therefore, it has been classified as a Variant of Uncertain Significance.

Mayo Clinic Laboratories, Mayo Clinic
Classification: Uncertain significance. Last evaluated: 2019-07-29. Review status: criteria provided, single submitter. Criteria: ACMG Guidelines, 2015. Collection method: clinical testing. Allele origin: germline. Observed: 1 variant allele.

Illumina Laboratory Services, Illumina
Classification: Uncertain significance for Neuronal ceroid lipofuscinosis 2. Last evaluated: 2018-01-12. Review status: criteria provided, single submitter. Criteria: ICSL Variant Classification Criteria 13 December 2019. Collection method: clinical testing. Allele origin: germline.

Natera, Inc.
Classification: Uncertain significance for Neuronal ceroid lipofuscinosis 2. Last evaluated: 2020-01-24. Review status: no assertion criteria provided. Collection method: clinical testing. Allele origin: germline. Not counted in ClinVar's aggregate classification.